The following is an entry in ClinVar:

ClinVar aggregate classification (germline): Uncertain significance (1 of 4 stars; one submission).

Conditions:
Ritscher-Schinzel syndrome 2. Identifiers: Orphanet 7, MedGen C4225419, MONDO:0010499, OMIM 300963.

Submission:

Genetics and Personalized Medicine, Danish Epilepsy Center
Classification: Uncertain significance for Ritscher-Schinzel syndrome 2. Last evaluated: 2021-01-27. Review status: criteria provided, single submitter. Criteria: ACMG Guidelines, 2015. Collection method: clinical testing. Allele origin: maternal. Inheritance: X-linked recessive inheritance. Affected: yes.
Comment: Based on the ACMG guidelines (PM2, PP3, PP4) the variant can currently only be classified as a VUS but we believe it is a highly suspicious VUS.

NM_014008.5(CCDC22):c.514_515delinsAG (p.Pro172Arg)

Gene: CCDC22 (CCC complex scaffolding subunit CCDC22; plus strand). Cytogenetic location: Xp11.23.
Variant type: Indel.
Coding change: c.514_515delinsAG on transcript NM_014008.5 (MANE Select); coding-DNA positions 514 to 515, CC replaced by AG.
Protein change: p.Pro172Arg; replaces proline 172 with arginine.
Molecular consequence: missense variant.
Genome position (GRCh38, 1-based): chrX:49,243,163-49,243,164, CC replaced by AG. VCF-style: chrX-49243163-CC-AG. GRCh37 (hg19) VCF-style: chrX-49099629-CC-AG.
Other names: short protein forms P172R.
Identifiers: ClinVar variation 995994 (VCV000995994.2), dbSNP rs2065972358, ClinGen allele CA1139667541.